The following is an entry in ClinVar:

ClinVar aggregate classification (germline): Likely benign (1 of 4 stars; one submission).

Conditions:
TIMP3-related disorder. Also called: TIMP3-related condition.

Submission:

PreventionGenetics, part of Exact Sciences
Classification: Likely benign for TIMP3-related condition. Last evaluated: 2025-08-05. Review status: criteria provided, single submitter. Criteria: ACMG Guidelines, 2015. Collection method: clinical testing. Allele origin: germline.
Comment: This variant is classified as likely benign based on ACMG/AMP sequence variant interpretation guidelines (Richards et al. 2015 PMID: 25741868, with internal and published modifications).

NM_000362.5(TIMP3):c.122-8C>G

Genes: SYN3 (synapsin III; minus strand), TIMP3 (TIMP metallopeptidase inhibitor 3; plus strand). Cytogenetic location: 22q12.3.
Variant type: single nucleotide variant.
Coding change: c.122-8C>G on transcript NM_000362.5 (MANE Select); 8 bases into the intron before coding-DNA position 122, C replaced by G.
Molecular consequence: intron variant.
Genome position (GRCh38, 1-based): chr22:32,849,444, C>G. VCF-style: chr22-32849444-C-G. GRCh37 (hg19) VCF-style: chr22-33245431-C-G.
Other names: c.708+15471G>C (NM_001369909.1, NM_001135774.2, NM_001369910.1); c.711+15471G>C (NM_001369907.1, NM_003490.4, NM_001369908.1 and 1 more transcripts).
Identifiers: ClinVar variation 4998180 (VCV004998180.1).
Genomic context (GRCh38, chr22:32,849,444, plus strand): 5'-CCTGAGATGCTGTTCCTGATGTGGTTCAGGCCTTCCTAACCTCTTATTGTCTCCTTCTGT[C>G]TCTGCAGTGATCCGGGCCAAGGTGGTGGGGAAGAAGCTGGTAAAGGAGGGGCCCTTCGGC-3'